The following is an entry in ClinVar:

ClinVar aggregate classification (germline): Uncertain significance. Review status: criteria provided, multiple submitters, no conflicts (2 of 4 stars). 3 submissions from 3 submitters: Uncertain significance (3). Last evaluated 2023-08-24.

Conditions:
Lynch syndrome. Identifiers: Orphanet 144, MedGen C4552100, MONDO:0005835. Disease mechanism: loss of function.
Hereditary nonpolyposis colorectal neoplasms. Identifiers: MedGen C0009405, MeSH D003123.

Allele frequency attached by ClinVar (database versions not stated): gnomAD exomes below 0.00001.
gnomAD v4.1: 1 of 1,614,112 alleles (0.000062%); highest among the groups gnomAD compares: Non-Finnish European, 0.000085%; no homozygotes.

Submissions (3):

Labcorp Genetics (formerly Invitae), Labcorp
Classification: Uncertain significance for Hereditary nonpolyposis colorectal neoplasms. Last evaluated: 2023-08-24. Review status: criteria provided, single submitter. Criteria: Invitae Variant Classification Sherloc (09022015). Collection method: clinical testing. Allele origin: germline.
Comment: ClinVar contains an entry for this variant (Variation ID: 935359). In summary, the available evidence is currently insufficient to determine the role of this variant in disease. Therefore, it has been classified as a Variant of Uncertain Significance. Advanced modeling of protein sequence and biophysical properties (such as structural, functional, and spatial information, amino acid conservation, physicochemical variation, residue mobility, and thermodynamic stability) performed at Invitae indicates that this missense variant is not expected to disrupt MSH6 protein function. This variant has not been reported in the literature in individuals affected with MSH6-related conditions. This variant is not present in population databases (gnomAD no frequency). This sequence change replaces valine, which is neutral and non-polar, with isoleucine, which is neutral and non-polar, at codon 762 of the MSH6 protein (p.Val762Ile).

All of Us Research Program, National Institutes of Health
Classification: Uncertain significance for Lynch syndrome. Last evaluated: 2023-04-27. Review status: criteria provided, single submitter. Criteria: ACMG Guidelines, 2015. Collection method: clinical testing. Allele origin: germline. Inheritance: Autosomal dominant inheritance. Observed: 1 variant allele, 1 heterozygote.
Comment: This study involves interpretation of variants in research participants for the purpose of population health screening. Participant phenotype was not available at the time of variant classification. Additional details can be found in publication PMID: 35346344, PMCID: PMC8962531

GeneDx
Classification: Uncertain significance. Last evaluated: 2022-05-08. Review status: criteria provided, single submitter. Criteria: GeneDx Variant Classification Process June 2021. Collection method: clinical testing. Allele origin: germline. Affected: yes.
Comment: Not observed at significant frequency in large population cohorts (gnomAD); In silico analysis supports that this missense variant does not alter protein structure/function; Has not been previously published as pathogenic or benign to our knowledge; This variant is associated with the following publications: (PMID: 17531815, 21120944)

NM_000179.3(MSH6):c.2284G>A (p.Val762Ile)

Gene: MSH6 (mutS homolog 6; plus strand). Cytogenetic location: 2p16.3.
Variant type: single nucleotide variant.
Coding change: c.2284G>A on transcript NM_000179.3 (MANE Select); coding-DNA position 2284, G replaced by A.
Protein change: p.Val762Ile; replaces valine 762 with isoleucine.
Molecular consequence: missense variant.
Genome position (GRCh38, 1-based): chr2:47,800,267, G>A. VCF-style: chr2-47800267-G-A. GRCh37 (hg19) VCF-style: chr2-48027406-G-A.
Other names: c.1894G>A, p.Val632Ile (NM_001281492.2); c.1378G>A, p.Val460Ile (NM_001281493.2, NM_001281494.2); short protein forms V632I, V460I, V762I.
Identifiers: ClinVar variation 935359 (VCV000935359.12), dbSNP rs1669443766, ClinGen allele CA346752910.